The following is an entry in ClinVar:

ClinVar aggregate classification (germline): Pathogenic/Likely pathogenic. Review status: criteria provided, multiple submitters, no conflicts (2 of 4 stars). 2 submissions from 2 submitters: Pathogenic (1); Likely pathogenic (1). Last evaluated 2026-04-24.

Conditions:
ERCC2-related disorder. Also called: ERCC2-related conditions; ERCC2-related condition; ERCC2-related disorders. Identifiers: MedGen CN239291.
Cerebrooculofacioskeletal syndrome 2 (COFS2). Identifiers: MedGen C1853102, MONDO:0012553, OMIM 610756.

Allele frequency attached by ClinVar (database versions not stated): gnomAD exomes below 0.00001; TOPMed below 0.00001; ExAC 0.00002.
gnomAD v4.1: 6 of 1,614,124 alleles (0.00037%); highest among the groups gnomAD compares: Non-Finnish European, 0.00051%; no homozygotes.

Submissions (2):

Myriad Genetics, Inc.
Classification: Pathogenic for ERCC2-related disorder. Last evaluated: 2026-04-24. Review status: criteria provided, single submitter. Criteria: Myriad Autosomal Dominant, Autosomal Recessive and X-Linked Classification Criteria (2023). Collection method: clinical testing. Allele origin: unknown.
Comment: NM_000400.3(ERCC2):c.2087G>A(W696*) is a nonsense variant classified as pathogenic in the context of ERCC2-related disorders. W696* has not been observed in cases with relevant disease. Relevant functional assessments of this variant are not available in the literature. W696* has been observed in referenced population frequency databases. In summary, NM_000400.3(ERCC2):c.2087G>A(W696*) is a nonsense variant in a gene where loss of function is a known mechanism of disease and is predicted to disrupt protein function. Please note: this variant was assessed in the context of healthy population screening.

Baylor Genetics
Classification: Likely pathogenic for Cerebrooculofacioskeletal syndrome 2. Last evaluated: 2023-12-01. Review status: criteria provided, single submitter. Criteria: ACMG Guidelines, 2015. Collection method: clinical testing. Allele origin: unknown.

NM_000400.4(ERCC2):c.2087G>A (p.Trp696Ter)

Gene: ERCC2 (ERCC excision repair 2, TFIIH core complex helicase subunit; minus strand). Cytogenetic location: 19q13.32.
Variant type: single nucleotide variant.
Coding change: c.2087G>A on transcript NM_000400.4 (MANE Select); coding-DNA position 2087, G replaced by A.
Protein change: p.Trp696Ter; replaces tryptophan 696 with a stop codon.
Molecular consequence: nonsense.
Genome position (GRCh38, 1-based): chr19:45,352,312, C>T on the plus strand (G>A on the coding strand, the complement: ERCC2 is on the minus strand). VCF-style: chr19-45352312-C-T. GRCh37 (hg19) VCF-style: chr19-45855570-C-T.
Other names: short protein forms W696*.
Identifiers: ClinVar variation 2675067 (VCV002675067.3), dbSNP rs775446858, ClinGen allele CA9512889.
Genomic context (GRCh38, chr19:45,352,312, plus strand): 5'-ACCTGGACACCCTCGTCCACGGTCAGGTTGAGGTTGGCATCTGTGAGGTGCTCCTGGATC[C>T]AGCGGGGCAGCTTCCCCCGCTTGTCCCCACGGGCAAACCGCTGTGGGCAGAAGCGCAGGC-3'